The following is an entry in ClinVar:

ClinVar aggregate classification (germline): Uncertain significance (1 of 4 stars; one submission).

Submission:

Labcorp Genetics (formerly Invitae), Labcorp
Classification: Uncertain significance. Last evaluated: 2023-10-03. Review status: criteria provided, single submitter. Criteria: Invitae Variant Classification Sherloc (09022015). Collection method: clinical testing. Allele origin: germline.
Comment: This variant is a gross deletion of the genomic region encompassing exon(s) 13-23 of the ADAMTS18 gene, which includes the termination codon. This deletion extends beyond the assayed region for this gene and therefore may encompass additional genes. While this deletion is not anticipated to lead to nonsense mediated decay, it is expected to alter mRNA translation or result in a truncated protein product. This variant has not been reported in the literature in individuals affected with ADAMTS18-related conditions. This variant disrupts a region of the ADAMTS18 protein in which other variant(s) (p.Arg651Gln) have been observed in individuals with ADAMTS18-related conditions (PMID: 24874986). This suggests that this is a clinically significant region of the protein, and that variants that disrupt it are likely to be disease-causing. In summary, the available evidence is currently insufficient to determine the role of this variant in disease. Therefore, it has been classified as a Variant of Uncertain Significance.

Literature cited by the submitters: PubMed 24874986.

NC_000016.9:g.(?_77317853)_(77359955_?)del

Gene: ADAMTS18 (ADAM metallopeptidase with thrombospondin type 1 motif 18; minus strand). Cytogenetic location: 16q23.1.
Variant type: Deletion.
Identifiers: ClinVar variation 2427670 (VCV002427670.4).